The following is an entry in ClinVar:

ClinVar aggregate classification (germline): Pathogenic (1 of 4 stars; one submission).

Conditions:
Rare genetic deafness. Identifiers: Orphanet 96210, MedGen C5680250.

Allele frequency attached by ClinVar (database versions not stated): gnomAD exomes below 0.00001.
gnomAD v4.1: 1 of 1,611,360 alleles (0.000062%); highest among the groups gnomAD compares: Non-Finnish European, 0.000085%; no homozygotes.

Submission:

Laboratory for Molecular Medicine, Mass General Brigham Personalized Medicine
Classification: Pathogenic for Rare genetic deafness. Last evaluated: 2015-08-11. Review status: criteria provided, single submitter. Criteria: LMM Criteria. Collection method: clinical testing. Allele origin: germline. Observed: 2 variant alleles.
Comment: The c.411+1G>A variant in GIPC3 has not been previously reported in individuals with hearing loss and was absent from large population studies. This variant occ urs in the invariant region (+/- 1,2) of the splice consensus sequence and is pr edicted to cause altered splicing leading to an abnormal or absent protein. In s ummary, this variant meets our criteria to be classified as pathogenic for heari ng loss.

NM_133261.3(GIPC3):c.411+1G>A

Gene: GIPC3 (GIPC PDZ domain containing family member 3; plus strand). Cytogenetic location: 19p13.3.
Variant type: single nucleotide variant.
Coding change: c.411+1G>A on transcript NM_133261.3 (MANE Select); the canonical splice donor site of the intron after coding-DNA position 411, G replaced by A.
Molecular consequence: splice donor variant.
Genome position (GRCh38, 1-based): chr19:3,586,681, G>A. VCF-style: chr19-3586681-G-A. GRCh37 (hg19) VCF-style: chr19-3586679-G-A.
Other names: c.411+1G>A (NM_001411144.1).
Identifiers: ClinVar variation 228349 (VCV000228349.4), dbSNP rs876657692, ClinGen allele CA501223.